The following is an entry in ClinVar:

ClinVar aggregate classification (germline): Pathogenic (1 of 4 stars; one submission).

Conditions:
Combined oxidative phosphorylation defect type 23. Also called: Combined oxidative phosphorylation deficiency 23. Identifiers: Orphanet 444013, MedGen C5567743, MONDO:0014525, OMIM 616198.

Allele frequency attached by ClinVar (database versions not stated): gnomAD exomes below 0.00001; gnomAD 0.00001.
gnomAD v4.1: 2 of 1,596,182 alleles (0.00013%); highest among the groups gnomAD compares: African/African-American, 0.0013%; no homozygotes.

Submission:

Pediatric Department, Xiangya Hospital, Central South University
Classification: Pathogenic for Combined oxidative phosphorylation defect type 23. Review status: criteria provided, single submitter. Criteria: ACMG Guidelines, 2015. Collection method: clinical testing. Allele origin: paternal. Inheritance: Autosomal recessive inheritance. Affected: yes. Observed: 2 compound heterozygotes. Clinical features observed: Neurodevelopmental delay, seizure.
Comment: This variant was observed in compound heterozygosity with variant (c.776A>G)

NM_032620.4(GTPBP3):c.187C>T (p.Arg63Ter)

Gene: GTPBP3 (GTP binding protein 3, mitochondrial; plus strand). Cytogenetic location: 19p13.11.
Variant type: single nucleotide variant.
Coding change: c.187C>T on transcript NM_032620.4 (MANE Select); coding-DNA position 187, C replaced by T.
Protein change: p.Arg63Ter; replaces arginine 63 with a stop codon.
Molecular consequence: nonsense.
Genome position (GRCh38, 1-based): chr19:17,338,141, C>T. VCF-style: chr19-17338141-C-T. GRCh37 (hg19) VCF-style: chr19-17448950-C-T.
Other names: c.187C>T, p.Arg63Ter (NM_001128855.3, NM_133644.4); c.253C>T, p.Arg85Ter (NM_001195422.1); short protein forms R63*, R85*.
Identifiers: ClinVar variation 1802991 (VCV001802991.1), dbSNP rs1419691572, ClinGen allele CA404731858.
Genomic context (GRCh38, chr19:17,338,141, plus strand): 5'-CAAGGCCGCTGCGGCATCGCAGTGATCCGGACCAGCGGCCCCGCCAGCGGCCACGCCCTC[C>T]GAATTCTCACAGCACCCCGAGACCTGCCCCTTGCTCGCCACGCCAGCCTGCGCCTGCTCA-3'